The following is an entry in ClinVar:

ClinVar aggregate classification (germline): Uncertain significance (1 of 4 stars; one submission).

Conditions:
Cardiovascular phenotype. Identifiers: MedGen CN230736.

gnomAD v4.1: 1 of 1,586,440 alleles (0.000063%); no homozygotes.

Submission:

Ambry Genetics
Classification: Uncertain significance for Cardiovascular phenotype. Last evaluated: 2024-08-12. Review status: criteria provided, single submitter. Criteria: Ambry Variant Classification Scheme 2023. Collection method: clinical testing. Allele origin: germline.
Comment: The p.V553A variant (also known as c.1658T>C), located in coding exon 19 of the CACNA2D1 gene, results from a T to C substitution at nucleotide position 1658. The valine at codon 553 is replaced by alanine, an amino acid with similar properties. This amino acid position is conserved. In addition, the in silico prediction for this alteration is inconclusive. Based on the available evidence, the clinical significance of this variant remains unclear.

NM_000722.4(CACNA2D1):c.1658T>C (p.Val553Ala)

Gene: CACNA2D1 (calcium voltage-gated channel auxiliary subunit alpha2delta 1; minus strand). Cytogenetic location: 7q21.11.
Variant type: single nucleotide variant.
Coding change: c.1658T>C on transcript NM_000722.4 (MANE Select); coding-DNA position 1658, T replaced by C.
Protein change: p.Val553Ala; replaces valine 553 with alanine.
Molecular consequence: missense variant.
Genome position (GRCh38, 1-based): chr7:81,997,183, A>G on the plus strand (T>C on the coding strand, the complement: CACNA2D1 is on the minus strand). VCF-style: chr7-81997183-A-G. GRCh37 (hg19) VCF-style: chr7-81626499-A-G.
Other names: c.1715T>C, p.Val572Ala (NM_001366867.1); short protein forms V553A, V572A.
Identifiers: ClinVar variation 3484083 (VCV003484083.1).